The following is an entry in ClinVar:

NM_001868.4(CPA1):c.164G>A (p.Gly55Glu)

Gene: CPA1 (carboxypeptidase A1; plus strand). Cytogenetic location: 7q32.2.
Variant type: single nucleotide variant.
Coding change: c.164G>A on transcript NM_001868.4 (MANE Select); coding-DNA position 164, G replaced by A.
Protein change: p.Gly55Glu; replaces glycine 55 with glutamic acid.
Molecular consequence: missense variant.
Genome position (GRCh38, 1-based): chr7:130,381,646, G>A. VCF-style: chr7-130381646-G-A. GRCh37 (hg19) VCF-style: chr7-130021487-G-A.
Other names: short protein forms G55E.
Identifiers: ClinVar variation 2496924 (VCV002496924.5), dbSNP rs1554411190, ClinGen allele CA369279557.

ClinVar aggregate classification (germline): Uncertain significance. Review status: criteria provided, multiple submitters, no conflicts (2 of 4 stars). 2 submissions from 2 submitters: Uncertain significance (2). Last evaluated 2025-04-18.

Conditions:
Hereditary pancreatitis (PCTT). Also called: Hereditary chronic pancreatitis; PRSS1-Related Hereditary Pancreatitis. Identifiers: Orphanet 676, MedGen C0238339, MONDO:0008185, OMIM 167800.

Allele frequency attached by ClinVar (database versions not stated): gnomAD exomes below 0.00001.
gnomAD v4.1: 2 of 1,613,662 alleles (0.00012%); highest among the groups gnomAD compares: Admixed American, 0.0033%; no homozygotes.

Submissions (2):

Ambry Genetics
Classification: Uncertain significance for Hereditary pancreatitis. Last evaluated: 2025-04-18. Review status: criteria provided, single submitter. Criteria: Ambry Variant Classification Scheme 2023. Collection method: clinical testing. Allele origin: germline.
Comment: The p.G55E variant (also known as c.164G>A), located in coding exon 3 of the CPA1 gene, results from a G to A substitution at nucleotide position 164. The glycine at codon 55 is replaced by glutamic acid, an amino acid with similar properties. This amino acid position is conserved. In addition, this alteration is predicted to be tolerated by in silico analysis. Since supporting evidence is limited at this time, the clinical significance of this alteration remains unclear.

Labcorp Genetics (formerly Invitae), Labcorp
Classification: Uncertain significance. Last evaluated: 2024-02-11. Review status: criteria provided, single submitter. Criteria: Invitae Variant Classification Sherloc (09022015). Collection method: clinical testing. Allele origin: germline.
Comment: This sequence change replaces glycine, which is neutral and non-polar, with glutamic acid, which is acidic and polar, at codon 55 of the CPA1 protein (p.Gly55Glu). The frequency data for this variant in the population databases is considered unreliable, as metrics indicate poor data quality at this position in the gnomAD database. This variant has not been reported in the literature in individuals affected with CPA1-related conditions. ClinVar contains an entry for this variant (Variation ID: 2496924). An algorithm developed to predict the effect of missense changes on protein structure and function (PolyPhen-2) suggests that this variant is likely to be tolerated. In summary, the available evidence is currently insufficient to determine the role of this variant in disease. Therefore, it has been classified as a Variant of Uncertain Significance.